The following is an entry in ClinVar:

NM_001354604.2(MITF):c.681C>G (p.Ile227Met)

Gene: MITF (melanocyte inducing transcription factor; plus strand). Cytogenetic location: 3p13.
Variant type: single nucleotide variant.
Coding change: c.681C>G on transcript NM_001354604.2 (MANE Select); coding-DNA position 681, C replaced by G.
Protein change: p.Ile227Met; replaces isoleucine 227 with methionine.
Molecular consequence: missense variant.
Genome position (GRCh38, 1-based): chr3:69,941,250, C>G. VCF-style: chr3-69941250-C-G. GRCh37 (hg19) VCF-style: chr3-69990401-C-G.
Other names: c.360C>G, p.Ile120Met (NM_000248.4, NM_198158.3); c.525C>G, p.Ile175Met (NM_001184967.2, NM_001354608.2); c.678C>G, p.Ile226Met (NM_001354605.2, NM_001354606.2, NM_006722.3); c.630C>G, p.Ile210Met (NM_001354607.2); c.681C>G, p.Ile227Met (NM_198159.3); c.633C>G, p.Ile211Met (NM_198177.3); c.192C>G, p.Ile64Met (NM_198178.3); short protein forms I120M, I175M, I210M, I211M, I226M, I227M, I64M.
Identifiers: ClinVar variation 3758685 (VCV003758685.2).

ClinVar aggregate classification (germline): Uncertain significance (1 of 4 stars; one submission).

Conditions:
Melanoma, cutaneous malignant, susceptibility to, 8. Also called: MELANOMA AND RENAL CELL CARCINOMA, SUSCEPTIBILITY TO; Cutaneous malignant melanoma 8. Identifiers: Orphanet 293822, MedGen C3152204, MONDO:0013759, OMIM 614456.
Tietz syndrome (TADS). Also called: ALBINISM-DEAFNESS OF TIETZ; HYPOPIGMENTATION/DEAFNESS OF TIETZ; TIETZ ALBINISM-DEAFNESS SYNDROME. Identifiers: Orphanet 42665, MedGen C0391816, MONDO:0007077, OMIM 103500.
Waardenburg syndrome type 2A (WS2A). Also called: WAARDENBURG SYNDROME WITHOUT DYSTOPIA CANTHORUM. Identifiers: Orphanet 3440, MedGen C1860339, MONDO:0008671, OMIM 193510.

Submission:

Labcorp Genetics (formerly Invitae), Labcorp
Classification: Uncertain significance for Melanoma, cutaneous malignant, susceptibility to, 8; Waardenburg syndrome type 2A; Tietz syndrome. Last evaluated: 2025-01-23. Review status: criteria provided, single submitter. Criteria: Invitae Variant Classification Sherloc (09022015). Collection method: clinical testing. Allele origin: germline.
Comment: This sequence change replaces isoleucine, which is neutral and non-polar, with methionine, which is neutral and non-polar, at codon 120 of the MITF protein (p.Ile120Met). This variant is not present in population databases (gnomAD no frequency). This variant has not been reported in the literature in individuals affected with MITF-related conditions. Invitae Evidence Modeling of protein sequence and biophysical properties (such as structural, functional, and spatial information, amino acid conservation, physicochemical variation, residue mobility, and thermodynamic stability) indicates that this missense variant is expected to disrupt MITF protein function with a positive predictive value of 80%. In summary, the available evidence is currently insufficient to determine the role of this variant in disease. Therefore, it has been classified as a Variant of Uncertain Significance.